The following is an entry in ClinVar:

ClinVar aggregate classification (germline): Uncertain significance (1 of 4 stars; one submission).

Allele frequency attached by ClinVar (database versions not stated): gnomAD exomes below 0.00001.
gnomAD v4.1: 4 of 1,607,426 alleles (0.00025%); highest among the groups gnomAD compares: East Asian, 0.0022%; no homozygotes.

Submission:

Biesecker Lab/Clinical Genomics Section, National Institutes of Health
Classification: Uncertain significance. Last evaluated: 2013-06-24. Review status: criteria provided, single submitter. Criteria: Ng et al. (Circ Cardiovasc Genet. 2013). Collection method: research. Allele origin: unknown. Observed: 1 variant allele. Study: ClinSeq.
Comment: The study set was not selected for affection status in relation to any cancer. Pathogenicity categories were based on literature curation. See Pubmed ID:23861362 for details.

Medical sequencing

NM_001148.6(ANK2):c.4408G>A (p.Asp1470Asn)

Gene: ANK2 (ankyrin 2; plus strand). Cytogenetic location: 4q26.
Variant type: single nucleotide variant.
Coding change: c.4408G>A on transcript NM_001148.6 (MANE Select); coding-DNA position 4408, G replaced by A.
Protein change: p.Asp1470Asn; replaces aspartic acid 1470 with asparagine.
Molecular consequence: missense variant.
Genome position (GRCh38, 1-based): chr4:113,350,231, G>A. VCF-style: chr4-113350231-G-A. GRCh37 (hg19) VCF-style: chr4-114271387-G-A.
Other names: c.4381G>A, p.Asp1461Asn (NM_001127493.3); c.4420G>A, p.Asp1474Asn (NM_001354225.2); c.4309G>A, p.Asp1437Asn (NM_001354228.2, NM_001354258.2); c.4387G>A, p.Asp1463Asn (NM_001354230.2); c.4450G>A, p.Asp1484Asn (NM_001354231.2, NM_001354242.2); c.4444G>A, p.Asp1482Asn (NM_001354232.2); c.4405G>A, p.Asp1469Asn (NM_001354235.2, NM_001354246.2, NM_001354265.2); c.4306G>A, p.Asp1436Asn (NM_001354236.2); and 33 more; short protein forms D1461N, D1470N, D1395N, D1399N, D1423N, D1436N, D1449N, D1453N.
Identifiers: ClinVar variation 191404 (VCV000191404.1), dbSNP rs564648496, ClinGen allele CA236541.